The following is an entry in ClinVar:

ClinVar aggregate classification (germline): Conflicting classifications of pathogenicity. Review status: criteria provided, conflicting classifications (1 of 4 stars). 3 submissions from 3 submitters: Uncertain significance (2); Benign (1). Last evaluated 2025-06-23.

Conditions:
Hereditary cancer-predisposing syndrome. Also called: Neoplastic Syndromes, Hereditary; Tumor predisposition; Hereditary Cancer Syndrome; Hereditary neoplastic syndrome. Identifiers: Orphanet 140162, MedGen C0027672, MeSH D009386, MONDO:0015356.
Neuroblastoma, susceptibility to, 3. Also called: ALK-Related Neuroblastic Tumor Susceptibility. Identifiers: Orphanet 635, MedGen C2751681, MONDO:0013083, OMIM 613014.

Allele frequency attached by ClinVar (database versions not stated): gnomAD 0.00001; gnomAD exomes 0.00004 and 0.00007; ExAC 0.00006.
gnomAD v4.1: 44 of 1,613,684 alleles (0.0027%); highest among the groups gnomAD compares: East Asian, 0.098%; no homozygotes.

Submissions (3):

Labcorp Genetics (formerly Invitae), Labcorp
Classification: Uncertain significance for Neuroblastoma, susceptibility to, 3. Last evaluated: 2025-06-23. Review status: criteria provided, single submitter. Criteria: Invitae Variant Classification Sherloc (09022015). Collection method: clinical testing. Allele origin: germline.
Comment: This sequence change replaces glutamic acid, which is acidic and polar, with glycine, which is neutral and non-polar, at codon 314 of the ALK protein (p.Glu314Gly). This variant is present in population databases (rs778845512, gnomAD 0.06%). This variant has not been reported in the literature in individuals affected with ALK-related conditions. ClinVar contains an entry for this variant (Variation ID: 538228). An algorithm developed to predict the effect of missense changes on protein structure and function outputs the following: PolyPhen-2: "Benign". The glycine amino acid residue is found in multiple mammalian species, which suggests that this missense change does not adversely affect protein function. In summary, the available evidence is currently insufficient to determine the role of this variant in disease. Therefore, it has been classified as a Variant of Uncertain Significance.

Ambry Genetics
Classification: Benign for Hereditary cancer-predisposing syndrome. Last evaluated: 2024-06-26. Review status: criteria provided, single submitter. Criteria: Ambry Variant Classification Scheme 2023. Collection method: clinical testing. Allele origin: germline.

Baylor Genetics
Classification: Uncertain significance for Neuroblastoma, susceptibility to, 3. Last evaluated: 2023-12-22. Review status: criteria provided, single submitter. Criteria: ACMG Guidelines, 2015. Collection method: clinical testing. Allele origin: unknown.

NM_004304.5(ALK):c.941A>G (p.Glu314Gly)

Gene: ALK (ALK receptor tyrosine kinase; minus strand). Cytogenetic location: 2p23.2.
Variant type: single nucleotide variant.
Coding change: c.941A>G on transcript NM_004304.5 (MANE Select); coding-DNA position 941, A replaced by G.
Protein change: p.Glu314Gly; replaces glutamic acid 314 with glycine.
Molecular consequence: missense variant.
Genome position (GRCh38, 1-based): chr2:29,694,861, T>C on the plus strand (A>G on the coding strand, the complement: ALK is on the minus strand). VCF-style: chr2-29694861-T-C. GRCh37 (hg19) VCF-style: chr2-29917727-T-C.
Other names: short protein forms E314G.
Identifiers: ClinVar variation 538228 (VCV000538228.12), dbSNP rs778845512, ClinGen allele CA1594807.